The following is an entry in ClinVar:

ClinVar aggregate classification (germline): Uncertain significance (1 of 4 stars; one submission).

Conditions:
Myofibrillar myopathy 6. Identifiers: Orphanet 199340, MedGen C2751831, MONDO:0013061, OMIM 612954.
Dilated cardiomyopathy 1HH (CMD1HH). Identifiers: Orphanet 154, MedGen C3151293, MONDO:0013479, OMIM 613881.

Submission:

Labcorp Genetics (formerly Invitae), Labcorp
Classification: Uncertain significance for Dilated cardiomyopathy 1HH; Myofibrillar myopathy 6. Last evaluated: 2024-06-06. Review status: criteria provided, single submitter. Criteria: Invitae Variant Classification Sherloc (09022015). Collection method: clinical testing. Allele origin: germline.
Comment: This sequence change replaces glutamic acid, which is acidic and polar, with valine, which is neutral and non-polar, at codon 239 of the BAG3 protein (p.Glu239Val). This variant is not present in population databases (gnomAD no frequency). This variant has not been reported in the literature in individuals affected with BAG3-related conditions. Advanced modeling of protein sequence and biophysical properties (such as structural, functional, and spatial information, amino acid conservation, physicochemical variation, residue mobility, and thermodynamic stability) performed at Invitae indicates that this missense variant is not expected to disrupt BAG3 protein function with a negative predictive value of 80%. In summary, the available evidence is currently insufficient to determine the role of this variant in disease. Therefore, it has been classified as a Variant of Uncertain Significance.

NM_004281.4(BAG3):c.716A>T (p.Glu239Val)

Gene: BAG3 (BAG cochaperone 3; plus strand). Cytogenetic location: 10q26.11.
Variant type: single nucleotide variant.
Coding change: c.716A>T on transcript NM_004281.4 (MANE Select); coding-DNA position 716, A replaced by T.
Protein change: p.Glu239Val; replaces glutamic acid 239 with valine.
Molecular consequence: missense variant.
Genome position (GRCh38, 1-based): chr10:119,672,463, A>T. VCF-style: chr10-119672463-A-T. GRCh37 (hg19) VCF-style: chr10-121431975-A-T.
Other names: short protein forms E239V.
Identifiers: ClinVar variation 3756716 (VCV003756716.2).